The following continues an entry in ClinVar:

NM_000051.4(ATM):c.4949A>G (p.Asn1650Ser)

Gene: ATM. ClinVar aggregate classification (germline): Benign/Likely benign. Benign (8); Likely benign (8).

Submissions 21 to 22 of 22:

Department of Pathology and Laboratory Medicine, Sinai Health System
Classification: Likely benign. Review status: no assertion criteria provided. Collection method: clinical testing. Allele origin: unknown. Affected: yes. Study: The Canadian Open Genetics Repository (COGR). Not counted in ClinVar's aggregate classification.
Comment: The ATM p.Asn1650Ser variant was identified in 63 of 23302 proband chromosomes (frequency: 0.003) from individuals or families with breast or ovarian cancer and was present in 220 of 52,260 control chromosomes (frequency: 0.005) from healthy individuals (Momozawa 2018, Tavtigian 2009, Tung 2016). The variant was identified in dbSNP (rs55870064) as â€šÃ„Ãºwith uncertain significance, other alleleâ€šÃ„Ã¹, ClinVar (classified as benign by Color, Invitae, Ambry Genetics and Eurofins; and as likely benign by GeneDx, Integrated Genetics, Athena Diagnostics and True Health Diagnostics) and LOVD 3.0 (observed 6x). The variant was identified in control databases in 159 of 282,444 chromosomes at a frequency of 0.0006 (Genome Aggregation Database Feb 27, 2017). The variant was observed in the following populations: East Asian in 148 of 19,934 chromosomes (freq: 0.007, increasing the likelihood this could be a low frequency benign variant), Other in 3 of 7208 chromosomes (freq: 0.0004), African in 6 of 24,966 chromosomes (freq: 0.0002), Latino in 1 of 35,432 chromosomes (freq: 0.00003), and European in 1 of 128,834 chromosomes (freq: 0.000008); it was not observed in the Ashkenazi Jewish, Finnish or South Asian populations. The p.Asn1650 residue is not conserved in mammals and computational analyses (PolyPhen-2, SIFT, AlignGVGD, BLOSUM, MutationTaster) do not suggest a high likelihood of impact to the protein; however, this information is not predictive enough to rule out pathogenicity. The variant occurs outside of the splicing consensus sequence although 2 of 4 in silico or computational prediction software programs (SpliceSiteFinder, MaxEntScan, NNSPLICE, GeneSplicer) predict a greater than 10% difference in splicing; this information is not very predictive of pathogenicity. In summary, based on the above information, the clinical significance of this variant cannot be determined with certainty at this time although we would lean towards a more benign role for this variant. This variant is classified as likely benign.

Joint Genome Diagnostic Labs from Nijmegen and Maastricht, Radboudumc and MUMC+
Classification: Likely benign. Review status: no assertion criteria provided. Collection method: clinical testing. Allele origin: germline. Affected: yes. Study: VKGL Data-share Consensus. Not counted in ClinVar's aggregate classification.

Literature cited by the submitters: PubMed 26787654 (cited by Athena Diagnostics and Women's Health and Genetics/Laboratory Corporation of America, LabCorp); PubMed 25479140 (cited by Athena Diagnostics and Women's Health and Genetics/Laboratory Corporation of America, LabCorp); PubMed 24951259 (cited by Athena Diagnostics and Women's Health and Genetics/Laboratory Corporation of America, LabCorp); PubMed 24326041 (cited by Athena Diagnostics and Women's Health and Genetics/Laboratory Corporation of America, LabCorp); PubMed 20305132 (cited by Athena Diagnostics and Women's Health and Genetics/Laboratory Corporation of America, LabCorp); PubMed 17344846 (cited by Athena Diagnostics); PubMed 12969974 (cited by Athena Diagnostics and Women's Health and Genetics/Laboratory Corporation of America, LabCorp); PubMed 26506520 (cited by Athena Diagnostics and Women's Health and Genetics/Laboratory Corporation of America, LabCorp); PubMed 21910157 (cited by Athena Diagnostics); PubMed 26976419 (cited by Athena Diagnostics and Women's Health and Genetics/Laboratory Corporation of America, LabCorp); PubMed 26689913 (cited by Athena Diagnostics and Women's Health and Genetics/Laboratory Corporation of America, LabCorp); PubMed 19781682 (cited by Athena Diagnostics and Women's Health and Genetics/Laboratory Corporation of America, LabCorp); PubMed 21787400 (cited by Athena Diagnostics and Women's Health and Genetics/Laboratory Corporation of America, LabCorp); PubMed 36243179 (cited by Athena Diagnostics); PubMed 34326862 (cited by Athena Diagnostics); PubMed 28580595 (cited by Athena Diagnostics and Women's Health and Genetics/Laboratory Corporation of America, LabCorp); PubMed 30287823 (cited by Athena Diagnostics and Women's Health and Genetics/Laboratory Corporation of America, LabCorp); PubMed 31360874 (cited by Athena Diagnostics and Women's Health and Genetics/Laboratory Corporation of America, LabCorp); PubMed 31666926 (cited by Athena Diagnostics and Women's Health and Genetics/Laboratory Corporation of America, LabCorp); PubMed 28779002 (cited by Athena Diagnostics); PubMed 20232390 (cited by Women's Health and Genetics/Laboratory Corporation of America, LabCorp); PubMed 24728327 (cited by ITMI).